The following is an entry in ClinVar:

ClinVar aggregate classification (germline): Uncertain significance. Review status: criteria provided, multiple submitters, no conflicts (2 of 4 stars). 2 submissions from 2 submitters: Uncertain significance (2). Last evaluated 2024-12-02.

Conditions:
Inborn genetic diseases. Identifiers: MedGen C0950123, MeSH D030342.

Allele frequency attached by ClinVar (database versions not stated): gnomAD exomes 0.00002; ExAC 0.00003; gnomAD 0.00003 and 0.00004; TOPMed 0.00003.
gnomAD v4.1: 29 of 1,613,980 alleles (0.0018%); highest among the groups gnomAD compares: Admixed American, 0.0033%; no homozygotes.

Submissions (2):

Ambry Genetics
Classification: Uncertain significance for Inborn genetic diseases. Last evaluated: 2024-12-02. Review status: criteria provided, single submitter. Criteria: Ambry Variant Classification Scheme 2023. Collection method: clinical testing. Allele origin: germline.

Labcorp Genetics (formerly Invitae), Labcorp
Classification: Uncertain significance. Last evaluated: 2022-06-28. Review status: criteria provided, single submitter. Criteria: Invitae Variant Classification Sherloc (09022015). Collection method: clinical testing. Allele origin: germline.
Comment: This variant is present in population databases (rs766033042, gnomAD 0.006%). This variant has not been reported in the literature in individuals affected with ATF6-related conditions. ClinVar contains an entry for this variant (Variation ID: 839280). Algorithms developed to predict the effect of missense changes on protein structure and function are either unavailable or do not agree on the potential impact of this missense change (SIFT: "Deleterious"; PolyPhen-2: "Possibly Damaging"; Align-GVGD: "Class C0"). In summary, the available evidence is currently insufficient to determine the role of this variant in disease. Therefore, it has been classified as a Variant of Uncertain Significance. This sequence change replaces proline, which is neutral and non-polar, with leucine, which is neutral and non-polar, at codon 254 of the ATF6 protein (p.Pro254Leu).

NM_007348.4(ATF6):c.761C>T (p.Pro254Leu)

Gene: ATF6 (activating transcription factor 6; plus strand). Cytogenetic location: 1q23.3.
Variant type: single nucleotide variant.
Coding change: c.761C>T on transcript NM_007348.4 (MANE Select); coding-DNA position 761, C replaced by T.
Protein change: p.Pro254Leu; replaces proline 254 with leucine.
Molecular consequence: missense variant.
Genome position (GRCh38, 1-based): chr1:161,802,124, C>T. VCF-style: chr1-161802124-C-T. GRCh37 (hg19) VCF-style: chr1-161771914-C-T.
Other names: short protein forms P254L.
Identifiers: ClinVar variation 839280 (VCV000839280.9), dbSNP rs766033042, ClinGen allele CA1214289.